The following is an entry in ClinVar:

NM_000075.4(CDK4):c.741dup (p.Ala248fs)

Genes: CDK4 (cyclin dependent kinase 4; minus strand), TSPAN31 (tetraspanin 31; plus strand). Cytogenetic location: 12q14.1.
Variant type: Duplication.
Coding change: c.741dup on transcript NM_000075.4 (MANE Select); coding-DNA position 741, one base duplicated (A; older notation c.741dupA).
Protein change: p.Ala248fs; shifts the reading frame from alanine 248.
Molecular consequence: frameshift variant. On other transcripts: 3 prime UTR variant (3).
Genome position (GRCh38, 1-based): chr12:57,749,260, T duplicated on the plus strand (A on the coding strand, the reverse complement: CDK4 is on the minus strand). VCF-style (leftmost placement, unchanged base first): chr12-57749259-C-CT. GRCh37 (hg19) VCF-style: chr12-58143042-C-CT.
Other names: c.*1970dup (NM_001330168.2, NM_001330169.2, NM_005981.5); short protein forms A248fs.
Identifiers: ClinVar variation 1434916 (VCV001434916.6), dbSNP rs2140382922, ClinGen allele CA2573148895.

ClinVar aggregate classification (germline): Uncertain significance (1 of 4 stars; one submission).

Conditions:
Familial melanoma. Also called: Hereditary melanoma; Hereditary cutaneous melanoma. Identifiers: Orphanet 618, MedGen C1512419, MONDO:0018961.

Submission:

Labcorp Genetics (formerly Invitae), Labcorp
Classification: Uncertain significance for Familial melanoma. Last evaluated: 2021-11-26. Review status: criteria provided, single submitter. Criteria: Invitae Variant Classification Sherloc (09022015). Collection method: clinical testing. Allele origin: germline.
Comment: This sequence change creates a premature translational stop signal (p.Ala248Serfs*16) in the CDK4 gene. While this is not anticipated to result in nonsense mediated decay, it is expected to disrupt the last 56 amino acid(s) of the CDK4 protein. This variant is not present in population databases (gnomAD no frequency). This variant has not been reported in the literature in individuals affected with CDK4-related conditions. Experimental studies and prediction algorithms are not available or were not evaluated, and the functional significance of this variant is currently unknown. In summary, the available evidence is currently insufficient to determine the role of this variant in disease. Therefore, it has been classified as a Variant of Uncertain Significance.